The following is an entry in ClinVar:

NM_002230.4(JUP):c.2044G>A (p.Ala682Thr)

Gene: JUP (junction plakoglobin; minus strand). Cytogenetic location: 17q21.2.
Variant type: single nucleotide variant.
Coding change: c.2044G>A on transcript NM_002230.4 (MANE Select); coding-DNA position 2044, G replaced by A.
Protein change: p.Ala682Thr; replaces alanine 682 with threonine.
Molecular consequence: missense variant.
Genome position (GRCh38, 1-based): chr17:41,757,417, C>T on the plus strand (G>A on the coding strand, the complement: JUP is on the minus strand). VCF-style: chr17-41757417-C-T. GRCh37 (hg19) VCF-style: chr17-39913669-C-T.
Other names: c.2044G>A, p.Ala682Thr (NM_001352773.2, NM_001352774.2, NM_001352775.2 and 3 more transcripts); short protein forms A682T.
Identifiers: ClinVar variation 1312132 (VCV001312132.2), dbSNP rs2143416364, ClinGen allele CA399491676.

ClinVar aggregate classification (germline): Uncertain significance (1 of 4 stars; one submission).

Submission:

GeneDx
Classification: Uncertain significance. Last evaluated: 2019-09-09. Review status: criteria provided, single submitter. Criteria: GeneDx Variant Classification Process June 2021. Collection method: clinical testing. Allele origin: germline. Affected: yes.
Comment: Has not been previously published as pathogenic or benign to our knowledge; Not observed in large population cohorts (Lek et al., 2016); In silico analysis, which includes protein predictors and evolutionary conservation, supports that this variant does not alter protein structure/function